The following is an entry in ClinVar:

ClinVar aggregate classification (germline): Benign. Review status: criteria provided, single submitter (1 of 4 stars). 2 submissions from 2 submitters: Benign (1). 1 of the submissions does not count toward it. Last evaluated 2018-03-09.

Conditions:
CTBP2-related disorder. Also called: CTBP2-related condition.

Allele frequency attached by ClinVar (database versions not stated): ESP Exome Variant Server 0.00032; gnomAD 0.00047 and 0.00049; TOPMed 0.00056; ExAC 0.00061; gnomAD exomes 0.00076.
gnomAD v4.1: 694 of 1,612,792 alleles (0.043%); highest among the groups gnomAD compares: Admixed American, 0.05%; 3 homozygotes.

Submissions (2):

Labcorp Genetics (formerly Invitae), Labcorp
Classification: Benign. Last evaluated: 2018-03-09. Review status: criteria provided, single submitter. Criteria: Invitae Variant Classification Sherloc (09022015). Collection method: clinical testing. Allele origin: germline.

PreventionGenetics, part of Exact Sciences
Classification: Benign for CTBP2-related condition. Last evaluated: 2019-11-11. Review status: no assertion criteria provided. Collection method: clinical testing. Allele origin: germline. Not counted in ClinVar's aggregate classification.
Comment: This variant is classified as benign based on ACMG/AMP sequence variant interpretation guidelines (Richards et al. 2015 PMID: 25741868, with internal and published modifications).

NM_001329.4(CTBP2):c.58+12268G>A

Gene: CTBP2 (C-terminal binding protein 2; minus strand). Cytogenetic location: 10q26.13.
Variant type: single nucleotide variant.
Coding change: c.58+12268G>A on transcript NM_001329.4 (MANE Select); 12268 bases into the intron after coding-DNA position 58, G replaced by A.
Molecular consequence: intron variant. On other transcripts: missense variant (1).
Genome position (GRCh38, 1-based): chr10:125,026,729, C>T on the plus strand (G>A on the coding strand, the complement: CTBP2 is on the minus strand). VCF-style: chr10-125026729-C-T. GRCh37 (hg19) VCF-style: chr10-126715298-C-T.
Other names: c.1031G>A, p.Arg344His (NM_022802.3); c.58+12268G>A (NM_001083914.3, NM_001290214.3, NM_001321012.2 and 3 more transcripts); short protein forms R344H.
Identifiers: ClinVar variation 710607 (VCV000710607.5), dbSNP rs148643707, ClinGen allele CA5736362.